The following is an entry in ClinVar:

ClinVar aggregate classification (germline): Uncertain significance (1 of 4 stars; one submission).

Allele frequency attached by ClinVar (database versions not stated): gnomAD exomes 0.00001.
gnomAD v4.1: 18 of 1,614,062 alleles (0.0011%); highest among the groups gnomAD compares: Non-Finnish European, 0.0014%; no homozygotes.

Submission:

Labcorp Genetics (formerly Invitae), Labcorp
Classification: Uncertain significance. Last evaluated: 2026-01-27. Review status: criteria provided, single submitter. Criteria: Invitae Variant Classification Sherloc (09022015). Collection method: clinical testing. Allele origin: germline.
Comment: This sequence change replaces glutamic acid, which is acidic and polar, with aspartic acid, which is acidic and polar, at codon 1451 of the COL7A1 protein (p.Glu1451Asp). This variant is not present in population databases (gnomAD no frequency). This variant has not been reported in the literature in individuals affected with COL7A1-related conditions. ClinVar contains an entry for this variant (Variation ID: 1420001). Invitae Evidence Modeling of protein sequence and biophysical properties (such as structural, functional, and spatial information, amino acid conservation, physicochemical variation, residue mobility, and thermodynamic stability) indicates that this missense variant is not expected to disrupt COL7A1 protein function with a negative predictive value of 95%. In summary, the available evidence is currently insufficient to determine the role of this variant in disease. Therefore, it has been classified as a Variant of Uncertain Significance.

NM_000094.4(COL7A1):c.4353G>T (p.Glu1451Asp)

Gene: COL7A1 (collagen type VII alpha 1 chain; minus strand). Cytogenetic location: 3p21.31.
Variant type: single nucleotide variant.
Coding change: c.4353G>T on transcript NM_000094.4 (MANE Select); coding-DNA position 4353, G replaced by T.
Protein change: p.Glu1451Asp; replaces glutamic acid 1451 with aspartic acid.
Molecular consequence: missense variant.
Genome position (GRCh38, 1-based): chr3:48,583,604, C>A on the plus strand (G>T on the coding strand, the complement: COL7A1 is on the minus strand). VCF-style: chr3-48583604-C-A. GRCh37 (hg19) VCF-style: chr3-48621037-C-A.
Other names: short protein forms E1451D.
Identifiers: ClinVar variation 1420001 (VCV001420001.7), dbSNP rs2107727375, ClinGen allele CA352692947.